The following is an entry in ClinVar:

ClinVar aggregate classification (germline): Likely benign (1 of 4 stars; one submission).

gnomAD v4.1: 218 of 1,613,492 alleles (0.014%); highest among the groups gnomAD compares: Non-Finnish European, 0.016%; no homozygotes.

Submission:

CeGaT Center for Human Genetics Tuebingen
Classification: Likely benign. Last evaluated: 2025-06-01. Review status: criteria provided, single submitter. Criteria: CeGaT Center For Human Genetics Tuebingen Variant Classification Criteria Version 2. Collection method: clinical testing. Allele origin: germline. Affected: yes. Observed: 1 variant allele.
Comment: ASXL3: BP4, BP7

NM_030632.3(ASXL3):c.1602C>T (p.Ile534=)

Gene: ASXL3 (ASXL transcriptional regulator 3; plus strand). Cytogenetic location: 18q12.1.
Variant type: single nucleotide variant.
Coding change: c.1602C>T on transcript NM_030632.3 (MANE Select); coding-DNA position 1602, C replaced by T.
Protein change: p.Ile534=; no amino-acid change (isoleucine 534 retained).
Molecular consequence: synonymous variant.
Genome position (GRCh38, 1-based): chr18:33,739,006, C>T. VCF-style: chr18-33739006-C-T. GRCh37 (hg19) VCF-style: chr18-31318970-C-T.
Identifiers: ClinVar variation 3905434 (VCV003905434.10).